The following is an entry in ClinVar:

ClinVar aggregate classification (germline): Uncertain significance. Review status: criteria provided, single submitter (1 of 4 stars). 2 submissions from 2 submitters: Uncertain significance (1). 1 of the submissions does not count toward it. Last evaluated 2024-02-20.

Conditions:
CHARGE syndrome (CHARGE). Also called: Coloboma, heart anomaly, choanal atresia, retardation, genital and ear anomalies; CHARGE association; Hall-Hittner syndrome; Hittner Hirsch Kreh syndrome; CHARGE ASSOCIATION--COLOBOMA, HEART ANOMALY, CHOANAL ATRESIA, RETARDATION, GENITAL AND EAR ANOMALIES. Identifiers: Orphanet 138, MedGen C0265354, MONDO:0008965.

Allele frequency attached by ClinVar (database versions not stated): gnomAD exomes below 0.00001.
gnomAD v4.1: 1 of 1,612,960 alleles (0.000062%); highest among the groups gnomAD compares: Non-Finnish European, 0.000085%; no homozygotes.

Submissions (2):

Labcorp Genetics (formerly Invitae), Labcorp
Classification: Uncertain significance for CHARGE syndrome. Last evaluated: 2024-02-20. Review status: criteria provided, single submitter. Criteria: Invitae Variant Classification Sherloc (09022015). Collection method: clinical testing. Allele origin: germline.
Comment: This sequence change replaces arginine, which is basic and polar, with cysteine, which is neutral and slightly polar, at codon 1741 of the CHD7 protein (p.Arg1741Cys). This variant is not present in population databases (gnomAD no frequency). This variant has not been reported in the literature in individuals affected with CHD7-related conditions. ClinVar contains an entry for this variant (Variation ID: 1710267). Advanced modeling of protein sequence and biophysical properties (such as structural, functional, and spatial information, amino acid conservation, physicochemical variation, residue mobility, and thermodynamic stability) performed at Invitae indicates that this missense variant is expected to disrupt CHD7 protein function with a positive predictive value of 95%. In summary, the available evidence is currently insufficient to determine the role of this variant in disease. Therefore, it has been classified as a Variant of Uncertain Significance.

Clinical Genetics Laboratory, University Hospital Schleswig-Holstein
Classification: Uncertain significance for CHD7-related CHARGE syndrome. Last evaluated: 2022-06-02. Review status: no assertion criteria provided. Collection method: clinical testing. Allele origin: germline. Affected: yes. Not counted in ClinVar's aggregate classification.

NM_017780.4(CHD7):c.5221C>T (p.Arg1741Cys)

Gene: CHD7 (chromodomain helicase DNA binding protein 7; plus strand). Cytogenetic location: 8q12.2.
Variant type: single nucleotide variant.
Coding change: c.5221C>T on transcript NM_017780.4 (MANE Select); coding-DNA position 5221, C replaced by T.
Protein change: p.Arg1741Cys; replaces arginine 1741 with cysteine.
Molecular consequence: missense variant. On other transcripts: intron variant (1).
Genome position (GRCh38, 1-based): chr8:60,848,525, C>T. VCF-style: chr8-60848525-C-T. GRCh37 (hg19) VCF-style: chr8-61761084-C-T.
Other names: c.1717-13704C>T (NM_001316690.1); short protein forms R1741C.
Identifiers: ClinVar variation 1710267 (VCV001710267.7), dbSNP rs2487998043, ClinGen allele CA371320779.